The following is an entry in ClinVar:

NM_002528.7(NTHL1):c.116-17C>A

Gene: NTHL1 (nth like DNA glycosylase 1; minus strand). Cytogenetic location: 16p13.3.
Variant type: single nucleotide variant.
Coding change: c.116-17C>A on transcript NM_002528.7 (MANE Select); 17 bases into the intron before coding-DNA position 116, C replaced by A.
Molecular consequence: intron variant.
Genome position (GRCh38, 1-based): chr16:2,046,383, G>T on the plus strand (C>A on the coding strand, the complement: NTHL1 is on the minus strand). VCF-style: chr16-2046383-G-T. GRCh37 (hg19) VCF-style: chr16-2096384-G-T.
Other names: c.-63-17C>A (NM_001318194.2); c.116-17C>A (NM_001318193.2).
Identifiers: ClinVar variation 2701164 (VCV002701164.3), dbSNP rs2233518, ClinGen allele CA2697549541.

ClinVar aggregate classification (germline): Uncertain significance (1 of 4 stars; one submission).

Submission:

Labcorp Genetics (formerly Invitae), Labcorp
Classification: Uncertain significance. Last evaluated: 2023-06-09. Review status: criteria provided, single submitter. Criteria: Invitae Variant Classification Sherloc (09022015). Collection method: clinical testing. Allele origin: germline.
Comment: In summary, the available evidence is currently insufficient to determine the role of this variant in disease. Therefore, it has been classified as a Variant of Uncertain Significance. Algorithms developed to predict the effect of sequence changes on RNA splicing suggest that this variant may disrupt the consensus splice site. This variant has not been reported in the literature in individuals affected with NTHL1-related conditions. This variant is not present in population databases (gnomAD no frequency). This sequence change falls in intron 1 of the NTHL1 gene. It does not directly change the encoded amino acid sequence of the NTHL1 protein.